The following is an entry in ClinVar:

ClinVar aggregate classification (germline): Benign. Review status: criteria provided, single submitter (1 of 4 stars). 2 submissions from 2 submitters: Benign (1). 1 of the submissions does not count toward it. Last evaluated 2025-08-19.

Conditions:
AXL-related disorder. Also called: AXL-related condition.

Allele frequency attached by ClinVar (database versions not stated): TOPMed 0.00014; 1000 Genomes Project 30x 0.00016; 1000 Genomes Project 0.00020; gnomAD 0.00022; ExAC 0.00048; gnomAD exomes 0.00059.
gnomAD v4.1: 226 of 1,607,270 alleles (0.014%); highest among the groups gnomAD compares: Admixed American, 0.25%; 3 homozygotes.

Submissions (2):

Labcorp Genetics (formerly Invitae), Labcorp
Classification: Benign. Last evaluated: 2025-08-19. Review status: criteria provided, single submitter. Criteria: Invitae Variant Classification Sherloc (09022015). Collection method: clinical testing. Allele origin: germline.

PreventionGenetics, part of Exact Sciences
Classification: Likely benign for AXL-related condition. Last evaluated: 2019-09-06. Review status: no assertion criteria provided. Collection method: clinical testing. Allele origin: germline. Not counted in ClinVar's aggregate classification.
Comment: This variant is classified as likely benign based on ACMG/AMP sequence variant interpretation guidelines (Richards et al. 2015 PMID: 25741868, with internal and published modifications).

NM_021913.5(AXL):c.1446-9C>T

Gene: AXL (AXL receptor tyrosine kinase; plus strand). Cytogenetic location: 19q13.2.
Variant type: single nucleotide variant.
Coding change: c.1446-9C>T on transcript NM_021913.5 (MANE Select); 9 bases into the intron before coding-DNA position 1446, C replaced by T.
Molecular consequence: intron variant.
Genome position (GRCh38, 1-based): chr19:41,243,607, C>T. VCF-style: chr19-41243607-C-T. GRCh37 (hg19) VCF-style: chr19-41749512-C-T.
Other names: c.1419-9C>T (NM_001699.6); c.642-9C>T (NM_001278599.2).
Identifiers: ClinVar variation 747484 (VCV000747484.10), dbSNP rs139678321, ClinGen allele CA9458327.